The following is an entry in ClinVar:

NM_000901.5(NR3C2):c.532C>A (p.Arg178Ser)

Gene: NR3C2 (nuclear receptor subfamily 3 group C member 2; minus strand). Cytogenetic location: 4q31.23.
Variant type: single nucleotide variant.
Coding change: c.532C>A on transcript NM_000901.5 (MANE Select); coding-DNA position 532, C replaced by A.
Protein change: p.Arg178Ser; replaces arginine 178 with serine.
Molecular consequence: missense variant. On other transcripts: non-coding transcript variant (1).
Genome position (GRCh38, 1-based): chr4:148,436,329, G>T on the plus strand (C>A on the coding strand, the complement: NR3C2 is on the minus strand). VCF-style: chr4-148436329-G-T. GRCh37 (hg19) VCF-style: chr4-149357481-G-T.
Other names: c.532C>A, p.Arg178Ser (NM_001166104.2, NM_001354819.1); short protein forms R178S.
Identifiers: ClinVar variation 2632160 (VCV002632160.1), dbSNP rs375487193, ClinGen allele CA358249217.
Genomic context (GRCh38, chr4:148,436,329, plus strand): 5'-GAGGGCTGCAAACAGACGGGCTTTTCTCATGACACATGATAGGGCTTTTAACAACGGCGC[G>T]CATGACGCCACCATTCACGGAGCTCCCAGAGTCAGACATAAATGATCTCAAGGGCGTGTT-3'
Protein context (NP_000892.2, residues 168-188): SGSSVNGGVM[Arg178Ser]AVVKSPIMCH

ClinVar aggregate classification (germline): Uncertain significance (1 of 4 stars; one submission).

Conditions:
NR3C2-related disorder. Also called: NR3C2-related condition; NR3C2-related disorders.

Submission:

PreventionGenetics, part of Exact Sciences
Classification: Uncertain significance for NR3C2-related condition. Last evaluated: 2023-07-11. Review status: criteria provided, single submitter. Criteria: ACMG Guidelines, 2015. Collection method: clinical testing. Allele origin: germline.
Comment: The NR3C2 c.532C>A variant is predicted to result in the amino acid substitution p.Arg178Ser. To our knowledge, this variant has not been reported in the literature or in a large population database, indicating this variant is rare. At this time, the clinical significance of this variant is uncertain due to the absence of conclusive functional and genetic evidence.